The following is an entry in ClinVar:

ClinVar aggregate classification (germline): Conflicting classifications of pathogenicity. Review status: criteria provided, conflicting classifications (1 of 4 stars). 5 submissions from 5 submitters: Uncertain significance (1); Benign (1); Likely benign (3). Last evaluated 2026-01-19.

Conditions:
3-hydroxy-3-methylglutaryl-CoA synthase deficiency (HMGCS2D). Also called: HMG-CoA synthase-2 deficiency; HMGCS2 DEFICIENCY; MITOCHONDRIAL HMG-CoA SYNTHASE DEFICIENCY. Identifiers: Orphanet 35701, MedGen C2751532, MONDO:0011614, OMIM 605911.

Allele frequency attached by ClinVar (database versions not stated): 1000 Genomes Project 0.00080; 1000 Genomes Project 30x 0.00094; ExAC 0.00151; gnomAD 0.00151 and 0.00153; TOPMed 0.00156; gnomAD exomes 0.00167 and 0.00175; ESP Exome Variant Server 0.00169.
gnomAD v4.1: 2,774 of 1,614,206 alleles (0.17%); highest among the groups gnomAD compares: Middle Eastern, 0.4%; 4 homozygotes.

Submissions (5):

Labcorp Genetics (formerly Invitae), Labcorp
Classification: Benign for 3-hydroxy-3-methylglutaryl-CoA synthase deficiency. Last evaluated: 2026-01-19. Review status: criteria provided, single submitter. Criteria: Invitae Variant Classification Sherloc (09022015). Collection method: clinical testing. Allele origin: germline.

CeGaT Center for Human Genetics Tuebingen
Classification: Likely benign. Last evaluated: 2025-05-01. Review status: criteria provided, single submitter. Criteria: CeGaT Center For Human Genetics Tuebingen Variant Classification Criteria Version 2. Collection method: clinical testing. Allele origin: germline. Affected: yes. Observed: 3 variant alleles.
Comment: HMGCS2: BP4, BP7

Blueprint Genetics
Classification: Likely benign. Last evaluated: 2024-11-20. Review status: criteria provided, single submitter. Criteria: ACMG Guidelines, 2015. Collection method: clinical testing. Allele origin: germline.

Illumina Laboratory Services, Illumina
Classification: Uncertain significance for 3-hydroxy-3-methylglutaryl-CoA synthase deficiency. Last evaluated: 2018-01-12. Review status: criteria provided, single submitter. Criteria: ICSL Variant Classification Criteria 13 December 2019. Collection method: clinical testing. Allele origin: germline.

GeneDx
Classification: Likely benign. Last evaluated: 2017-08-03. Review status: criteria provided, single submitter. Criteria: GeneDx Variant Classification (06012015). Collection method: clinical testing. Allele origin: germline. Affected: yes.
Comment: This variant is considered likely benign or benign based on one or more of the following criteria: it is a conservative change, it occurs at a poorly conserved position in the protein, it is predicted to be benign by multiple in silico algorithms, and/or has population frequency not consistent with disease.

NM_005518.4(HMGCS2):c.174C>T (p.Ala58=)

Gene: HMGCS2 (3-hydroxy-3-methylglutaryl-CoA synthase 2; minus strand). Cytogenetic location: 1p12.
Variant type: single nucleotide variant.
Coding change: c.174C>T on transcript NM_005518.4 (MANE Select); coding-DNA position 174, C replaced by T.
Protein change: p.Ala58=; no amino-acid change (alanine 58 retained).
Molecular consequence: synonymous variant.
Genome position (GRCh38, 1-based): chr1:119,764,557, G>A on the plus strand (C>T on the coding strand, the complement: HMGCS2 is on the minus strand). VCF-style: chr1-119764557-G-A. GRCh37 (hg19) VCF-style: chr1-120307180-G-A.
Other names: c.174C>T, p.Ala58= (NM_001166107.1).
Identifiers: ClinVar variation 292340 (VCV000292340.58), dbSNP rs138739620, ClinGen allele CA1037945.
Genomic context (GRCh38, chr1:119,764,557, plus strand): 5'-ATTGTTATACTTCTCCAGGTCAGTTTGGTCCACATATTGGGCTGGGAAGTAGACCTCCAG[G>A]GCCAGGATGCCCACGTCCTTTGGCCAAGTATCTGTTTTGGCCAGGGGGACAGCAGAGGCT-3'
Protein context (NP_005509.1, residues 48-68): DTWPKDVGIL[Ala58=]LEVYFPAQYV